The following is an entry in ClinVar:

NM_025099.6(CTC1):c.2307G>T (p.Trp769Cys)

Gene: CTC1 (CST telomere replication complex component 1; minus strand). Cytogenetic location: 17p13.1.
Variant type: single nucleotide variant.
Coding change: c.2307G>T on transcript NM_025099.6 (MANE Select); coding-DNA position 2307, G replaced by T.
Protein change: p.Trp769Cys; replaces tryptophan 769 with cysteine.
Molecular consequence: missense variant. On other transcripts: non-coding transcript variant (1).
Genome position (GRCh38, 1-based): chr17:8,231,981, C>A on the plus strand (G>T on the coding strand, the complement: CTC1 is on the minus strand). VCF-style: chr17-8231981-C-A. GRCh37 (hg19) VCF-style: chr17-8135299-C-A.
Other names: short protein forms W769C.
Identifiers: ClinVar variation 326073 (VCV000326073.11), dbSNP rs201879837, ClinGen allele CA8372125.

ClinVar aggregate classification (germline): Uncertain significance. Review status: criteria provided, multiple submitters, no conflicts (2 of 4 stars). 4 submissions from 4 submitters: Uncertain significance (4). Last evaluated 2025-10-12.

Conditions:
Dyskeratosis congenita. Identifiers: Orphanet 1775, MedGen C0265965, MONDO:0015780.
Cerebroretinal microangiopathy with calcifications and cysts 1 (CRMCC1). Identifiers: Orphanet 313838, MedGen C4552029, MONDO:0024564, OMIM 612199.

Allele frequency attached by ClinVar (database versions not stated): ExAC 0.00008; TOPMed 0.00002; gnomAD exomes 0.00004 and 0.00009; 1000 Genomes Project 0.00020; 1000 Genomes Project 30x 0.00031.
gnomAD v4.1: 57 of 1,609,198 alleles (0.0035%); highest among the groups gnomAD compares: Middle Eastern, 0.05%; no homozygotes.

Submissions (4):

Dasa
Classification: Uncertain significance. Last evaluated: 2025-10-12. Review status: criteria provided, single submitter. Criteria: DASA Assertion Criteria. Collection method: clinical testing. Allele origin: germline.
Comment: NM_025099.6(CTC1):c.2307G>T (p.Trp769Cys) is a missense variant that results in the substitution of tryptophan with cysteine. This variant is rare in population databases. Computational prediction algorithms are consistent with a deleterious effect. The currently available literature and clinical evidence are not sufficient to establish a definitive association between this variant and the reported condition. Therefore, this variant is classified as a variant of uncertain significance.

Labcorp Genetics (formerly Invitae), Labcorp
Classification: Uncertain significance for Dyskeratosis congenita. Last evaluated: 2022-08-19. Review status: criteria provided, single submitter. Criteria: Invitae Variant Classification Sherloc (09022015). Collection method: clinical testing. Allele origin: germline.
Comment: This sequence change replaces tryptophan, which is neutral and slightly polar, with cysteine, which is neutral and slightly polar, at codon 769 of the CTC1 protein (p.Trp769Cys). The frequency data for this variant in the population databases is considered unreliable, as metrics indicate poor data quality at this position in the gnomAD database. This variant has not been reported in the literature in individuals affected with CTC1-related conditions. ClinVar contains an entry for this variant (Variation ID: 326073). Algorithms developed to predict the effect of missense changes on protein structure and function are either unavailable or do not agree on the potential impact of this missense change (SIFT: "Deleterious"; PolyPhen-2: "Probably Damaging"; Align-GVGD: "Class C0"). In summary, the available evidence is currently insufficient to determine the role of this variant in disease. Therefore, it has been classified as a Variant of Uncertain Significance.

Genome-Nilou Lab
Classification: Uncertain significance for Cerebroretinal microangiopathy with calcifications and cysts 1. Last evaluated: 2021-07-15. Review status: criteria provided, single submitter. Criteria: ACMG Guidelines, 2015. Collection method: clinical testing. Allele origin: germline. Affected: no.

Illumina Laboratory Services, Illumina
Classification: Uncertain significance for Dyskeratosis congenita. Last evaluated: 2018-01-13. Review status: criteria provided, single submitter. Criteria: ICSL Variant Classification Criteria 13 December 2019. Collection method: clinical testing. Allele origin: germline.